The following is an entry in ClinVar:

NM_015466.4(PTPN23):c.383T>G (p.Leu128Arg)

Gene: PTPN23 (protein tyrosine phosphatase non-receptor type 23; plus strand). Cytogenetic location: 3p21.31.
Variant type: single nucleotide variant.
Coding change: c.383T>G on transcript NM_015466.4 (MANE Select); coding-DNA position 383, T replaced by G.
Protein change: p.Leu128Arg; replaces leucine 128 with arginine.
Molecular consequence: missense variant.
Genome position (GRCh38, 1-based): chr3:47,405,767, T>G. VCF-style: chr3-47405767-T-G. GRCh37 (hg19) VCF-style: chr3-47447257-T-G.
Other names: c.5T>G, p.Leu2Arg (NM_001304482.2); short protein forms L128R, L2R.
Identifiers: ClinVar variation 3372419 (VCV003372419.1).

ClinVar aggregate classification (germline): Uncertain significance (1 of 4 stars; one submission).

gnomAD v4.1: 6 of 1,596,184 alleles (0.00038%); highest among the groups gnomAD compares: African/African-American, 0.0013%; no homozygotes.

Submission:

GeneDx
Classification: Uncertain significance. Last evaluated: 2024-04-11. Review status: criteria provided, single submitter. Criteria: GeneDx Variant Classification Process June 2021. Collection method: clinical testing. Allele origin: germline. Affected: yes.
Comment: Not observed at significant frequency in large population cohorts (gnomAD); In silico analysis supports that this missense variant has a deleterious effect on protein structure/function; Has not been previously published as pathogenic or benign to our knowledge